The following is an entry in ClinVar:

NM_181503.3(EXOSC8):c.28C>T (p.Pro10Ser)

Gene: EXOSC8 (exosome component 8; plus strand). Cytogenetic location: 13q13.3.
Variant type: single nucleotide variant.
Coding change: c.28C>T on transcript NM_181503.3 (MANE Select); coding-DNA position 28, C replaced by T.
Protein change: p.Pro10Ser; replaces proline 10 with serine.
Molecular consequence: missense variant.
Genome position (GRCh38, 1-based): chr13:37,002,283, C>T. VCF-style: chr13-37002283-C-T. GRCh37 (hg19) VCF-style: chr13-37576420-C-T.
Other names: short protein forms P10S.
Identifiers: ClinVar variation 2808798 (VCV002808798.3), dbSNP rs764347456, ClinGen allele CA6951062.

ClinVar aggregate classification (germline): Uncertain significance (1 of 4 stars; one submission).

Allele frequency attached by ClinVar (database versions not stated): gnomAD exomes below 0.00001; TOPMed below 0.00001; ExAC 0.00002.
gnomAD v4.1: 4 of 1,608,642 alleles (0.00025%); highest among the groups gnomAD compares: Admixed American, 0.0033%; no homozygotes.

Submission:

Labcorp Genetics (formerly Invitae), Labcorp
Classification: Uncertain significance. Last evaluated: 2023-09-18. Review status: criteria provided, single submitter. Criteria: Invitae Variant Classification Sherloc (09022015). Collection method: clinical testing. Allele origin: germline.
Comment: In summary, the available evidence is currently insufficient to determine the role of this variant in disease. Therefore, it has been classified as a Variant of Uncertain Significance. An algorithm developed to predict the effect of missense changes on protein structure and function (PolyPhen-2) suggests that this variant is likely to be disruptive. This variant has not been reported in the literature in individuals affected with EXOSC8-related conditions. This variant is present in population databases (rs764347456, gnomAD 0.006%). This sequence change replaces proline, which is neutral and non-polar, with serine, which is neutral and polar, at codon 10 of the EXOSC8 protein (p.Pro10Ser).